The following is an entry in ClinVar:

NM_032237.5(POMK):c.257G>A (p.Arg86His)

Gene: POMK (protein O-mannose kinase; plus strand). Cytogenetic location: 8p11.21.
Variant type: single nucleotide variant.
Coding change: c.257G>A on transcript NM_032237.5 (MANE Select); coding-DNA position 257, G replaced by A.
Protein change: p.Arg86His; replaces arginine 86 with histidine.
Molecular consequence: missense variant.
Genome position (GRCh38, 1-based): chr8:43,103,805, G>A. VCF-style: chr8-43103805-G-A. GRCh37 (hg19) VCF-style: chr8-42958948-G-A.
Other names: c.257G>A, p.Arg86His (NM_001277971.2); c.257G>A (NM_032237.4); short protein forms R86H.
Identifiers: ClinVar variation 1054296 (VCV001054296.5), dbSNP rs201095843, ClinGen allele CA4736231.

ClinVar aggregate classification (germline): Uncertain significance. Review status: criteria provided, multiple submitters, no conflicts (2 of 4 stars). 3 submissions from 3 submitters: Uncertain significance (3). Last evaluated 2025-07-16.

Conditions:
Limb-girdle muscular dystrophy due to POMK deficiency. Also called: MUSCULAR DYSTROPHY-DYSTROGLYCANOPATHY, LIMB-GIRDLE, POMK-RELATED; Muscular dystrophy-dystroglycanopathy (limb-girdle), type c, 12. Identifiers: Orphanet 445110, MedGen C4015184, MONDO:0014489, OMIM 616094.
Muscular dystrophy-dystroglycanopathy (congenital with brain and eye anomalies), type a, 12 (MDDGA12). Also called: WALKER-WARBURG SYNDROME OR MUSCLE-EYE-BRAIN DISEASE, POMK-RELATED. Identifiers: Orphanet 899, MedGen C3808964, MONDO:0014101, OMIM 615249.

Allele frequency attached by ClinVar (database versions not stated): ESP Exome Variant Server 0.00008.
gnomAD v4.1: 61 of 1,614,112 alleles (0.0038%); highest among the groups gnomAD compares: African/African-American, 0.0053%; no homozygotes.

Submissions (3):

Revvity Omics, Revvity
Classification: Uncertain significance. Last evaluated: 2025-07-16. Review status: criteria provided, single submitter. Criteria: ACMG Guidelines, 2015. Collection method: clinical testing. Allele origin: germline.

Labcorp Genetics (formerly Invitae), Labcorp
Classification: Uncertain significance for Muscular dystrophy-dystroglycanopathy (congenital with brain and eye anomalies), type a, 12; Limb-girdle muscular dystrophy due to POMK deficiency. Last evaluated: 2024-10-29. Review status: criteria provided, single submitter. Criteria: Invitae Variant Classification Sherloc (09022015). Collection method: clinical testing. Allele origin: germline.
Comment: This sequence change replaces arginine, which is basic and polar, with histidine, which is basic and polar, at codon 86 of the POMK protein (p.Arg86His). This variant is present in population databases (rs201095843, gnomAD 0.01%). This variant has not been reported in the literature in individuals affected with POMK-related conditions. ClinVar contains an entry for this variant (Variation ID: 1054296). Invitae Evidence Modeling of protein sequence and biophysical properties (such as structural, functional, and spatial information, amino acid conservation, physicochemical variation, residue mobility, and thermodynamic stability) indicates that this missense variant is not expected to disrupt POMK protein function with a negative predictive value of 80%. In summary, the available evidence is currently insufficient to determine the role of this variant in disease. Therefore, it has been classified as a Variant of Uncertain Significance.

GeneDx
Classification: Uncertain significance. Last evaluated: 2024-10-28. Review status: criteria provided, single submitter. Criteria: GeneDx Variant Classification Process June 2021. Collection method: clinical testing. Allele origin: germline. Affected: yes.
Comment: Not observed at significant frequency in large population cohorts (gnomAD); In silico analysis indicates that this missense variant does not alter protein structure/function; Has not been previously published as pathogenic or benign in association with a POMK-related disorder to our knowledge; This variant is associated with the following publications: (PMID: 28719003, 26740555)